The following is an entry in ClinVar:

NM_032888.4(COL27A1):c.5063G>A (p.Arg1688Gln)

Gene: COL27A1 (collagen type XXVII alpha 1 chain; plus strand). Cytogenetic location: 9q32.
Variant type: single nucleotide variant.
Coding change: c.5063G>A on transcript NM_032888.4 (MANE Select); coding-DNA position 5063, G replaced by A.
Protein change: p.Arg1688Gln; replaces arginine 1688 with glutamine.
Molecular consequence: missense variant.
Genome position (GRCh38, 1-based): chr9:114,306,644, G>A. VCF-style: chr9-114306644-G-A. GRCh37 (hg19) VCF-style: chr9-117068924-G-A.
Other names: short protein forms R1688Q.
Identifiers: ClinVar variation 725068 (VCV000725068.18), dbSNP rs149629527, ClinGen allele CA5203271.

ClinVar aggregate classification (germline): Likely benign. Review status: criteria provided, multiple submitters, no conflicts (2 of 4 stars). 4 submissions from 4 submitters: Likely benign (3). 1 of the submissions does not count toward it. Last evaluated 2026-01-19.

Conditions:
COL27A1-related disorder. Also called: COL27A1-related condition.
Steel syndrome (STLS). Identifiers: Orphanet 438117, MedGen C3554594, MONDO:0014061, OMIM 615155.

Allele frequency attached by ClinVar (database versions not stated): 1000 Genomes Project 30x 0.00031; ESP Exome Variant Server 0.00108; TOPMed 0.00121; gnomAD exomes 0.00145 and 0.00243; gnomAD 0.00177 and 0.00184; ExAC 0.00201.
gnomAD v4.1: 2,459 of 1,614,150 alleles (0.15%); highest among the groups gnomAD compares: Middle Eastern, 0.13%; 20 homozygotes.

Submissions (14):

Labcorp Genetics (formerly Invitae), Labcorp
Classification: Likely benign. Last evaluated: 2026-01-19. Review status: criteria provided, single submitter. Criteria: Invitae Variant Classification Sherloc (09022015). Collection method: clinical testing. Allele origin: germline.

Genome-Nilou Lab
Classification: Likely benign for Steel syndrome. Last evaluated: 2021-07-14. Review status: criteria provided, single submitter. Criteria: ACMG Guidelines, 2015. Collection method: clinical testing. Allele origin: germline. Affected: no.

Breakthrough Genomics
Classification: Likely benign. Review status: criteria provided, single submitter. Criteria: ACMG Guidelines, 2015. Collection method: not provided. Allele origin: germline. Inheritance: Autosomal recessive inheritance. Affected: yes.

PreventionGenetics, part of Exact Sciences
Classification: Benign for COL27A1-related condition. Last evaluated: 2019-12-13. Review status: no assertion criteria provided. Collection method: clinical testing. Allele origin: germline. Not counted in ClinVar's aggregate classification.
Comment: This variant is classified as benign based on ACMG/AMP sequence variant interpretation guidelines (Richards et al. 2015 PMID: 25741868, with internal and published modifications).

Dr. Peter K. Rogan Lab, Western University
No classification provided (evidence only). Condition: Clear cell carcinoma of kidney. Review status: no classification provided. Collection method: in vitro. Allele origin: not applicable. Functional consequence: retained intron. Not counted in ClinVar's aggregate classification.

Dr. Peter K. Rogan Lab, Western University
No classification provided (evidence only). Condition: Clear cell carcinoma of kidney. Review status: no classification provided. Collection method: in vitro. Allele origin: not applicable. Functional consequence: retained intron. Not counted in ClinVar's aggregate classification.

Dr. Peter K. Rogan Lab, Western University
No classification provided (evidence only). Condition: Familial cancer of breast. Review status: no classification provided. Collection method: in vitro. Allele origin: not applicable. Functional consequence: retained intron. Not counted in ClinVar's aggregate classification.

Dr. Peter K. Rogan Lab, Western University
No classification provided (evidence only). Condition: Familial cancer of breast. Review status: no classification provided. Collection method: in vitro. Allele origin: not applicable. Functional consequence: retained intron. Not counted in ClinVar's aggregate classification.

Dr. Peter K. Rogan Lab, Western University
No classification provided (evidence only). Condition: Colon adenocarcinoma. Review status: no classification provided. Collection method: in vitro. Allele origin: not applicable. Functional consequence: retained intron. Not counted in ClinVar's aggregate classification.

Dr. Peter K. Rogan Lab, Western University
No classification provided (evidence only). Condition: Thyroid cancer, nonmedullary, 1. Review status: no classification provided. Collection method: in vitro. Allele origin: not applicable. Functional consequence: retained intron. Not counted in ClinVar's aggregate classification.

Dr. Peter K. Rogan Lab, Western University
No classification provided (evidence only). Condition: Hepatocellular carcinoma. Review status: no classification provided. Collection method: in vitro. Allele origin: not applicable. Functional consequence: retained intron. Not counted in ClinVar's aggregate classification.

Dr. Peter K. Rogan Lab, Western University
No classification provided (evidence only). Condition: Ovarian serous cystadenocarcinoma. Review status: no classification provided. Collection method: in vitro. Allele origin: not applicable. Functional consequence: retained intron. Not counted in ClinVar's aggregate classification.

Dr. Peter K. Rogan Lab, Western University
No classification provided (evidence only). Condition: Gastric cancer. Review status: no classification provided. Collection method: in vitro. Allele origin: not applicable. Functional consequence: retained intron. Not counted in ClinVar's aggregate classification.

Dr. Peter K. Rogan Lab, Western University
No classification provided (evidence only). Condition: Gastric cancer. Review status: no classification provided. Collection method: in vitro. Allele origin: not applicable. Functional consequence: retained intron. Not counted in ClinVar's aggregate classification.